The following is an entry in ClinVar:

NM_012281.3(KCND2):c.1473C>T (p.His491=)

Gene: KCND2 (potassium voltage-gated channel subfamily D member 2; plus strand). Cytogenetic location: 7q31.31.
Variant type: single nucleotide variant.
Coding change: c.1473C>T on transcript NM_012281.3 (MANE Select); coding-DNA position 1473, C replaced by T.
Protein change: p.His491=; no amino-acid change (histidine 491 retained).
Molecular consequence: synonymous variant.
Genome position (GRCh38, 1-based): chr7:120,745,785, C>T. VCF-style: chr7-120745785-C-T. GRCh37 (hg19) VCF-style: chr7-120385839-C-T.
Identifiers: ClinVar variation 460199 (VCV000460199.17), dbSNP rs145422660, ClinGen allele CA4453701.
Genomic context (GRCh38, chr7:120,745,785, plus strand): 5'-TCGTTTTTAAAAATGTGCTTCTCTGTTTCTTCATTTACTTACAACTGTGGAACAGAATCA[C>T]GAGTTTGTGGACGAACAAGTCTTTGAAGAAAGCTGCATGGAAGTTGCAACTGTTAATCGT-3'
Protein context (NP_036413.1, residues 481-501): LLHCLEKTTN[His491=]EFVDEQVFEE

ClinVar aggregate classification (germline): Benign. Review status: criteria provided, multiple submitters, no conflicts (2 of 4 stars). 4 submissions from 4 submitters: Benign (3). 1 of the submissions does not count toward it. Last evaluated 2026-01-28.

Conditions:
KCND2-related disorder. Also called: KCND2-related condition.
Early Myoclonic Encephalopathy. Identifiers: MedGen C0270855.

Allele frequency attached by ClinVar (database versions not stated): ESP Exome Variant Server 0.00108; gnomAD 0.00119 and 0.00127; 1000 Genomes Project 30x 0.00234; TOPMed 0.00127; 1000 Genomes Project 0.00180.
gnomAD v4.1: 363 of 1,613,584 alleles (0.022%); highest among the groups gnomAD compares: African/African-American, 0.43%; 2 homozygotes.

Submissions (4):

Labcorp Genetics (formerly Invitae), Labcorp
Classification: Benign for Early Myoclonic Encephalopathy. Last evaluated: 2026-01-28. Review status: criteria provided, single submitter. Criteria: Invitae Variant Classification Sherloc (09022015). Collection method: clinical testing. Allele origin: germline.

Women's Health and Genetics/Laboratory Corporation of America, LabCorp
Classification: Benign. Last evaluated: 2025-04-14. Review status: criteria provided, single submitter. Criteria: LabCorp Variant Classification Summary - May 2015. Collection method: clinical testing. Allele origin: germline.

Breakthrough Genomics
Classification: Benign. Review status: criteria provided, single submitter. Criteria: ACMG Guidelines, 2015. Collection method: not provided. Allele origin: germline. Inheritance: Unknown mechanism. Affected: yes.

PreventionGenetics, part of Exact Sciences
Classification: Likely benign for KCND2-related condition. Last evaluated: 2019-04-17. Review status: no assertion criteria provided. Collection method: clinical testing. Allele origin: germline. Not counted in ClinVar's aggregate classification.
Comment: This variant is classified as likely benign based on ACMG/AMP sequence variant interpretation guidelines (Richards et al. 2015 PMID: 25741868, with internal and published modifications).